The following is an entry in ClinVar:

ClinVar aggregate classification (germline): Benign/Likely benign. Review status: criteria provided, multiple submitters, no conflicts (2 of 4 stars). 3 submissions from 2 submitters: Benign (1); Likely benign (2). Last evaluated 2018-06-08.

Conditions:
Bifunctional peroxisomal enzyme deficiency (DBIF). Also called: DBP DEFICIENCY; PBFE DEFICIENCY; D-bifunctional protein deficiency. Identifiers: Orphanet 300, MedGen C0342870, MONDO:0009855, OMIM 261515. Disease mechanism: loss of function.
Perrault syndrome 1 (PRLTS1). Also called: GONADAL DYSGENESIS, XX TYPE, WITH DEAFNESS; OVARIAN DYSGENESIS WITH SENSORINEURAL DEAFNESS. Identifiers: Orphanet 2855, Orphanet 642945, MedGen C4551721, MONDO:0009300, OMIM 233400.

Allele frequency attached by ClinVar (database versions not stated): ESP Exome Variant Server 0.00285; 1000 Genomes Project 30x 0.00297; 1000 Genomes Project 0.00300; gnomAD 0.00311 and 0.00334; TOPMed 0.00369.
gnomAD v4.1: 955 of 1,613,824 alleles (0.059%); highest among the groups gnomAD compares: African/African-American, 1.1%; 6 homozygotes.

Submissions (3):

GeneDx
Classification: Likely benign. Last evaluated: 2018-06-08. Review status: criteria provided, single submitter. Criteria: GeneDx Variant Classification Process June 2021. Collection method: clinical testing. Allele origin: germline. Affected: yes.

Illumina Laboratory Services, Illumina
Classification: Benign for Perrault syndrome 1. Last evaluated: 2018-01-13. Review status: criteria provided, single submitter. Criteria: ICSL Variant Classification Criteria 13 December 2019. Collection method: clinical testing. Allele origin: germline.
Comment: This variant was observed in the ICSL laboratory as part of a predisposition screen in an ostensibly healthy population. It had not been previously curated by ICSL or reported in the Human Gene Mutation Database (HGMD: prior to June 1st, 2018), and was therefore a candidate for classification through an automated scoring system. Utilizing variant allele frequency, disease prevalence and penetrance estimates, and inheritance mode, an automated score was calculated to assess if this variant is too frequent to cause the disease. Based on the score and internal cut-off values, a variant classified as benign is not then subjected to further curation. The score for this variant resulted in a classification of benign for this disease.

Illumina Laboratory Services, Illumina
Classification: Likely benign for Bifunctional peroxisomal enzyme deficiency. Last evaluated: 2018-01-13. Review status: criteria provided, single submitter. Criteria: ICSL Variant Classification Criteria 13 December 2019. Collection method: clinical testing. Allele origin: germline.
Comment: This variant was observed in the ICSL laboratory as part of a predisposition screen in an ostensibly healthy population. It had not been previously curated by ICSL or reported in the Human Gene Mutation Database (HGMD: prior to June 1st, 2018), and was therefore a candidate for classification through an automated scoring system. Utilizing variant allele frequency, disease prevalence and penetrance estimates, and inheritance mode, an automated score was calculated to assess if this variant is too frequent to cause the disease. Based on the score and internal cut-off values, a variant classified as likely benign is not then subjected to further curation. The score for this variant resulted in a classification of likely benign for this disease.

NM_000414.4(HSD17B4):c.-28C>T

Gene: HSD17B4 (hydroxysteroid 17-beta dehydrogenase 4; plus strand). Cytogenetic location: 5q23.1.
Variant type: single nucleotide variant.
Coding change: c.-28C>T on transcript NM_000414.4 (MANE Select); 28 bases upstream of the start codon, C replaced by T.
Molecular consequence: 5 prime UTR variant.
Genome position (GRCh38, 1-based): chr5:119,452,548, C>T. VCF-style: chr5-119452548-C-T. GRCh37 (hg19) VCF-style: chr5-118788243-C-T.
Other names: c.-206C>T (NM_001199291.3); c.-28C>T (NM_001199292.2); c.-165C>T (NM_001292027.2); c.-627C>T (NM_001292028.2).
Identifiers: ClinVar variation 350458 (VCV000350458.7), dbSNP rs34353289, ClinGen allele CA3381569.